The following is an entry in ClinVar:

NM_001130987.2(DYSF):c.1488dup (p.Asp497fs)

Gene: DYSF (dysferlin; plus strand). Cytogenetic location: 2p13.2.
Variant type: Duplication.
Coding change: c.1488dup on transcript NM_001130987.2 (MANE Select); coding-DNA position 1488, one base duplicated (A; older notation c.1488dupA).
Protein change: p.Asp497fs; shifts the reading frame from aspartic acid 497.
Molecular consequence: frameshift variant.
Genome position (GRCh38, 1-based): chr2:71,535,306, A duplicated. VCF-style (leftmost placement, unchanged base first): chr2-71535305-T-TA. GRCh37 (hg19) VCF-style: chr2-71762435-T-TA.
Other names: NM_001130987.2(DYSF):c.1488dup; p.Asp497fs; c.1395dup, p.Asp466fs (NM_001130455.2, NM_001130983.2, NM_001130984.2 and 1 more transcripts); c.1392dup, p.Asp465fs (NM_001130976.2, NM_001130977.2, NM_001130978.2 and 1 more transcripts); c.1485dup, p.Asp496fs (NM_001130979.2, NM_001130980.2, NM_001130981.2); c.1488dup, p.Asp497fs (NM_001130982.2, NM_001130985.2); c.1392dup (NM_003494.3); c.1488dup (NM_001130987.1); short protein forms D465fs, D466fs, D497fs, D496fs.
Identifiers: ClinVar variation 94271 (VCV000094271.23), dbSNP rs398123767, ClinGen allele CA222127.
Genomic context (GRCh38, chr2:71,535,305, plus strand): 5'-ACACGCCTCTATTCCTTCCTCAGTTTCCCTCCATGTGCGAAAAAATGAGGATTCGTATCA[T>TA]AGACTGGTGAGTTCTGAGTCTTGGAGTCTTTAGGGCGGGCTGTCCTGAGGGGGCGCTGGG-3'

ClinVar aggregate classification (germline): Pathogenic. Review status: reviewed by expert panel (3 of 4 stars). 10 submissions from 10 submitters: Pathogenic (1). 9 of the submissions do not count toward it. Last evaluated 2025-07-29.

Conditions:
Autosomal recessive limb-girdle muscular dystrophy. Identifiers: Orphanet 102015, MedGen C2931907, MONDO:0015152.
Neuromuscular disease caused by qualitative or quantitative defects of dysferlin. Also called: Dysferlinopathy; Qualitative or quantitative defects of dysferlin. Identifiers: Orphanet 207073, MedGen C2931687, MONDO:0016145.
Autosomal recessive limb-girdle muscular dystrophy type 2B (LGMDR2). Also called: Limb-girdle muscular dystrophy, type 2B; MUSCULAR DYSTROPHY, LIMB-GIRDLE, AUTOSOMAL RECESSIVE 2; MUSCULAR DYSTROPHY, LIMB-GIRDLE, TYPE 3; Limb-Girdle Muscular Dystrophy Type 2B (LGMD2B). Identifiers: Orphanet 268, MedGen C1850889, MONDO:0009676, OMIM 253601.
Miyoshi muscular dystrophy 1 (MMD1). Identifiers: Orphanet 45448, MedGen C4551973, MONDO:0024545, OMIM 254130.

Allele frequency attached by ClinVar (database versions not stated): gnomAD exomes 0.00001 and below 0.00001; TOPMed below 0.00001; ExAC 0.00001; ESP Exome Variant Server 0.00008.

Submissions (10):

ClinGen Limb Girdle Muscular Dystrophy Variant Curation Expert Panel, ClinGen
Classification: Pathogenic for Autosomal recessive limb-girdle muscular dystrophy. Last evaluated: 2025-07-29. Review status: reviewed by expert panel. Criteria: ClinGen LGMD VCEP ACMG Specifications DYSF V1.0.0. Collection method: curation. Allele origin: germline. Inheritance: Autosomal recessive inheritance.
Comment: The NM_003494.4: c.1392dup p.(Asp465ArgfsTer9) variant in DYSF, which is also known as NM_001130987.2: c.1488dup (p.Asp497ArgfsTer9), is a frameshift variant predicted to cause a premature stop codon in biologically relevant exon 16/55, leading to nonsense mediated decay in a gene in which loss of function is an established disease mechanism (PVS1). This variant has been detected in at least five individuals with features of LGMD (PMID: 27602406, 36983702), including in a homozygous state in one patient without reported familial consanguinity (0.5 pts, PMID: 27602406) and in unknown phase with a pathogenic variant in two patients (NM_003494.4: c.5698_5699del p.(Ser1900GlnfsTer14), 0.5 pts, PMID: 27602406; NM_003494.4: c.1481-1G>A, 0.5 pts, PMID: 27602406) (PM3). At least one patient with this variant displayed a clinical suspicion of LGMD and severely reduced or absent dysferlin protein expression in skeletal muscle or blood monocytes, which is highly specific for DYSF-associated LGMD (PP4_Strong, PMID: 27602406, 33610434). The filtering allele frequency of this variant is 0.000012981 in gnomAD v4.1.0 exomes (the upper threshold of the 95% CI of 8/1111992 European (non-Finnish) chromosomes), which is less than the ClinGen LGMD VCEP threshold (≤0.0001) (PM2_Supporting). In summary, this variant meets the criteria to be classified as Pathogenic for autosomal recessive limb-girdle muscular dystrophy based on the ACMG/AMP criteria applied, as specified by the ClinGen LGMD VCEP (LGMD VCEP specifications version 1.0.0; 07/29/2025): PVS1, PM3, PP4_Strong, PM2_Supporting.

Natera, Inc.
Classification: Pathogenic for Limb-girdle muscular dystrophy type 2B. Last evaluated: 2025-12-17. Review status: criteria provided, single submitter. Criteria: Natera Variant Classification Schema (03/2026). Collection method: clinical testing. Allele origin: germline. Not counted in ClinVar's aggregate classification.
Comment: The c.1392dupA variant in DYSF is a frameshift variant predicted to shift the reading frame beginning at codon 465 and leads to a stop codon 9 codons downstream. This variant is expected to result in nonsense mediated decay, truncation, or a dysfunctional protein product. This variant is rare in the general population with a frequency below the threshold expected for the associated phenotype(s). This variant has been observed in one or more individuals affected with the associated recessive disease, as either homozygous or compound heterozygous with a second variant (PMID: 24488599). Given the available evidence, this variant is classified as Pathogenic.

Labcorp Genetics (formerly Invitae), Labcorp
Classification: Pathogenic for Neuromuscular disease caused by qualitative or quantitative defects of dysferlin. Last evaluated: 2025-10-21. Review status: criteria provided, single submitter. Criteria: Invitae Variant Classification Sherloc (09022015). Collection method: clinical testing. Allele origin: germline. Not counted in ClinVar's aggregate classification.
Comment: This sequence change creates a premature translational stop signal (p.Asp465Argfs*9) in the DYSF gene. It is expected to result in an absent or disrupted protein product. Loss-of-function variants in DYSF are known to be pathogenic (PMID: 17698709, 20301480). This variant is present in population databases (rs756314366, gnomAD 0.0009%). This premature translational stop signal has been observed in individual(s) with clinical features of DYSF-related conditions (PMID: 16010686, 33610434). ClinVar contains an entry for this variant (Variation ID: 94271). For these reasons, this variant has been classified as Pathogenic.

Revvity Omics, Revvity
Classification: Pathogenic. Last evaluated: 2025-02-20. Review status: criteria provided, single submitter. Criteria: ACMG Guidelines, 2015. Collection method: clinical testing. Allele origin: germline. Not counted in ClinVar's aggregate classification.

Baylor Genetics
Classification: Pathogenic for Miyoshi muscular dystrophy 1. Last evaluated: 2024-03-07. Review status: criteria provided, single submitter. Criteria: ACMG Guidelines, 2015. Collection method: clinical testing. Allele origin: unknown. Not counted in ClinVar's aggregate classification.

Athena Diagnostics
Classification: Pathogenic. Last evaluated: 2021-07-16. Review status: criteria provided, single submitter. Criteria: Athena Diagnostics Criteria. Collection method: clinical testing. Allele origin: unknown. Not counted in ClinVar's aggregate classification.
Comment: This variant is expected to result in the loss of a functional protein. The frequency of this variant in the general population is consistent with pathogenicity. In multiple individuals, this variant has been seen with a single recessive pathogenic variant in the same gene, suggesting this variant may also be pathogenic.

GeneDx
Classification: Pathogenic. Last evaluated: 2018-02-28. Review status: criteria provided, single submitter. Criteria: GeneDx Variant Classification (06012015). Collection method: clinical testing. Allele origin: germline. Affected: yes. Not counted in ClinVar's aggregate classification.
Comment: The c.1392dupA pathogenic variant in the DYSF gene has been reported previously either in the homozygous state or in combination with another DYSF variant in individuals with DYSF-related disorder (Nguyen et al., 2005; Rosales et al., 2010). The c.1392dupA variant causes a frameshift starting with codon Aspartic acid 465, changes this amino acid to a Arginine residue, and creates a premature Stop codon at position 9 of the new reading frame, denoted p.Asp465ArgfsX9. This variant is predicted to cause loss of normal protein function either through protein truncation or nonsense-mediated mRNA decay. The c.1392dupA variant is not observed at a significant frequency in large population cohorts (Lek et al., 2016). We interpret c.1392dupA as a pathogenic variant.

Eurofins Ntd Llc (ga)
Classification: Pathogenic. Last evaluated: 2016-09-16. Review status: criteria provided, single submitter. Criteria: EGL Classification Definitions. Collection method: clinical testing. Allele origin: germline. Observed: 4 variant alleles, 4 heterozygotes. Not counted in ClinVar's aggregate classification.
Comment: The c.1392dupA DYSF pathogenic variant has been reported in individuals with LGMD2B and with Miyoshi myopathy1, and is of a type expected to cause disease. 1. AKT

Clinical Genetics Service, Universitary Hospital 12 de Octubre
Classification: Pathogenic for Autosomal recessive limb-girdle muscular dystrophy type 2B. Review status: criteria provided, single submitter. Criteria: ACMG Guidelines, 2015. Collection method: clinical testing. Allele origin: maternal. Affected: yes. Not counted in ClinVar's aggregate classification.

Counsyl
Classification: Pathogenic for Autosomal recessive limb-girdle muscular dystrophy type 2B. Last evaluated: 2016-11-02. Review status: no assertion criteria provided. Collection method: clinical testing. Allele origin: unknown. Not counted in ClinVar's aggregate classification.

Literature cited by the submitters: PubMed 24488599 (cited by Natera, Inc.); PubMed 17698709 (cited by Labcorp Genetics (formerly Invitae), Labcorp); PubMed 20301480 (cited by Labcorp Genetics (formerly Invitae), Labcorp); PubMed 16010686 (cited by 3 submitters); PubMed 33610434 (cited by Labcorp Genetics (formerly Invitae), Labcorp); PubMed 20544924 (cited by Athena Diagnostics and Counsyl); PubMed 23757202 (cited by Eurofins Ntd Llc (ga)).